The following is an entry in ClinVar:

ClinVar aggregate classification (germline): Uncertain significance. Review status: criteria provided, multiple submitters, no conflicts (2 of 4 stars). 2 submissions from 2 submitters: Uncertain significance (2). Last evaluated 2026-06-15.

Conditions:
Inborn genetic diseases. Identifiers: MedGen C0950123, MeSH D030342.

Allele frequency attached by ClinVar (database versions not stated): gnomAD exomes below 0.00001; TOPMed below 0.00001.

Submissions (2):

Ambry Genetics
Classification: Uncertain significance for Inborn genetic diseases. Last evaluated: 2026-06-15. Review status: criteria provided, single submitter. Criteria: Ambry Variant Classification Scheme 2023. Collection method: clinical testing. Allele origin: germline.

Greenwood Genetic Center Diagnostic Laboratories, Greenwood Genetic Center
Classification: Uncertain significance. Last evaluated: 2023-06-26. Review status: criteria provided, single submitter. Criteria: ACMG Guidelines, 2015. Collection method: clinical testing. Allele origin: germline. Affected: yes.
Comment: PM2, PP2, PP3

NM_000937.5(POLR2A):c.2458C>T (p.Arg820Cys)

Genes: POLR2A (RNA polymerase II subunit A; plus strand), LOC126862481 (BRD4-independent group 4 enhancer GRCh37_chr17:7405086-7406285; plus strand). Cytogenetic location: 17p13.1.
Variant type: single nucleotide variant.
Coding change: c.2458C>T on transcript NM_000937.5 (MANE Select); coding-DNA position 2458, C replaced by T.
Protein change: p.Arg820Cys; replaces arginine 820 with cysteine.
Molecular consequence: missense variant.
Genome position (GRCh38, 1-based): chr17:7,502,008, C>T. VCF-style: chr17-7502008-C-T. GRCh37 (hg19) VCF-style: chr17-7405327-C-T.
Other names: c.2458C>T (NM_000937.4); short protein forms R820C.
Identifiers: ClinVar variation 2572296 (VCV002572296.2), dbSNP rs2070592252, ClinGen allele CA397888795.